The following is an entry in ClinVar:

NM_014956.5(CEP164):c.1320C>T (p.Ala440=)

Gene: CEP164 (centrosomal protein 164; plus strand). Cytogenetic location: 11q23.3.
Variant type: single nucleotide variant.
Coding change: c.1320C>T on transcript NM_014956.5 (MANE Select); coding-DNA position 1320, C replaced by T.
Protein change: p.Ala440=; no amino-acid change (alanine 440 retained).
Molecular consequence: synonymous variant.
Genome position (GRCh38, 1-based): chr11:117,380,616, C>T. VCF-style: chr11-117380616-C-T. GRCh37 (hg19) VCF-style: chr11-117251332-C-T.
Other names: c.1320C>T, p.Ala440= (NM_001271933.2).
Identifiers: ClinVar variation 772149 (VCV000772149.12), dbSNP rs145815710, ClinGen allele CA6294722.

ClinVar aggregate classification (germline): Likely benign. Review status: criteria provided, multiple submitters, no conflicts (2 of 4 stars). 3 submissions from 3 submitters: Likely benign (3). Last evaluated 2026-07-01.

Conditions:
Nephronophthisis 15 (NPHP15). Identifiers: Orphanet 3156, MedGen C3541853, MONDO:0013917, OMIM 614845.

Allele frequency attached by ClinVar (database versions not stated): gnomAD exomes 0.00002 and 0.00011; TOPMed 0.00009; gnomAD 0.00011 and 0.00012; ESP Exome Variant Server 0.00015; ExAC 0.00025; 1000 Genomes Project 30x 0.00047; 1000 Genomes Project 0.00060.
gnomAD v4.1: 99 of 1,597,730 alleles (0.0062%); highest among the groups gnomAD compares: East Asian, 0.074%; no homozygotes.

Submissions (3):

CeGaT Center for Human Genetics Tuebingen
Classification: Likely benign. Last evaluated: 2026-07-01. Review status: criteria provided, single submitter. Criteria: CeGaT Center For Human Genetics Tuebingen Variant Classification Criteria Version 2. Collection method: clinical testing. Allele origin: germline. Affected: yes. Observed: 1 variant allele.
Comment: CEP164: BP4, BP7

Labcorp Genetics (formerly Invitae), Labcorp
Classification: Likely benign for Nephronophthisis 15. Last evaluated: 2026-02-02. Review status: criteria provided, single submitter. Criteria: Invitae Variant Classification Sherloc (09022015). Collection method: clinical testing. Allele origin: germline.

Blueprint Genetics
Classification: Likely benign. Last evaluated: 2024-07-08. Review status: criteria provided, single submitter. Criteria: ACMG Guidelines, 2015. Collection method: clinical testing. Allele origin: germline.